The following is an entry in ClinVar:

NM_000552.5(VWF):c.1213A>G (p.Thr405Ala)

Gene: VWF (von Willebrand factor; minus strand). Cytogenetic location: 12p13.31.
Variant type: single nucleotide variant.
Coding change: c.1213A>G on transcript NM_000552.5 (MANE Select); coding-DNA position 1213, A replaced by G.
Protein change: p.Thr405Ala; replaces threonine 405 with alanine.
Molecular consequence: missense variant.
Genome position (GRCh38, 1-based): chr12:6,065,217, T>C on the plus strand (A>G on the coding strand, the complement: VWF is on the minus strand). VCF-style: chr12-6065217-T-C. GRCh37 (hg19) VCF-style: chr12-6174383-T-C.
Other names: short protein forms T405A.
Identifiers: ClinVar variation 2245931 (VCV002245931.4), dbSNP rs1438233482, ClinGen allele CA383503127.
Genomic context (GRCh38, chr12:6,065,217, plus strand): 5'-TGGAGAAGGAGTGGTCCTGGCAATCCCGGGCCAGCAGGTACTGGCAGATCCCACTGAAGG[T>C]GAAGTATCTGTTGTCAAAGCTCTTGAAGTGTGATTGACCTGTGACAAGGCACTCCCCTGG-3'
Protein context (NP_000543.3, residues 395-415): HFKSFDNRYF[Thr405Ala]FSGICQYLLA

ClinVar aggregate classification (germline): Uncertain significance. Review status: criteria provided, multiple submitters, no conflicts (2 of 4 stars). 2 submissions from 2 submitters: Uncertain significance (2). Last evaluated 2026-01-14.

Conditions:
Inborn genetic diseases. Identifiers: MedGen C0950123, MeSH D030342.

Allele frequency attached by ClinVar (database versions not stated): gnomAD exomes 0.00001.
gnomAD v4.1: 10 of 1,613,954 alleles (0.00062%); highest among the groups gnomAD compares: Admixed American, 0.0017%; no homozygotes.

Submissions (2):

GeneDx
Classification: Uncertain significance. Last evaluated: 2026-01-14. Review status: criteria provided, single submitter. Criteria: GeneDx Variant Classification Process June 2021. Collection method: clinical testing. Allele origin: germline.
Comment: Not observed at significant frequency in large population cohorts (gnomAD); In silico analysis supports that this missense variant has a deleterious effect on protein structure/function; Has not been previously published as pathogenic or benign to our knowledge

Ambry Genetics
Classification: Uncertain significance for Inborn genetic diseases. Last evaluated: 2021-08-16. Review status: criteria provided, single submitter. Criteria: Ambry Variant Classification Scheme 2023. Collection method: clinical testing. Allele origin: germline.